The following is an entry in ClinVar:

NM_001875.5(CPS1):c.712-16T>C

Gene: CPS1 (carbamoyl-phosphate synthase 1; plus strand). Cytogenetic location: 2q34.
Variant type: single nucleotide variant.
Coding change: c.712-16T>C on transcript NM_001875.5 (MANE Select); 16 bases into the intron before coding-DNA position 712, T replaced by C.
Molecular consequence: intron variant.
Genome position (GRCh38, 1-based): chr2:210,590,090, T>C. VCF-style: chr2-210590090-T-C. GRCh37 (hg19) VCF-style: chr2-211454814-T-C.
Other names: c.712-16T>C (LRG_336t1, NM_001369257.1, NM_001122633.3); c.745-16T>C (NM_001369256.1).
Identifiers: ClinVar variation 382067 (VCV000382067.38), dbSNP rs187304632, ClinGen allele CA2086119.

ClinVar aggregate classification (germline): Benign/Likely benign. Review status: criteria provided, multiple submitters, no conflicts (2 of 4 stars). 5 submissions from 5 submitters: Benign (2); Likely benign (3). Last evaluated 2026-01-22.

Conditions:
Congenital hyperammonemia, type I. Also called: Carbamoyl-phosphate synthase I deficiency; Carbamoyl phosphate synthetase I deficiency disease; CPS I DEFICIENCY; Carbamoyl phosphate synthetase 1 deficiency; Hyperammonemia due to carbamoyl phosphate synthetase 1 deficiency; CPS 1 deficiency. Identifiers: Orphanet 147, MedGen C4082171, MONDO:0009376, OMIM 237300.

Allele frequency attached by ClinVar (database versions not stated): gnomAD exomes 0.00115 and 0.00041; ExAC 0.00149; gnomAD 0.00420 and 0.00456; 1000 Genomes Project 30x 0.00422; 1000 Genomes Project 0.00439; TOPMed 0.00462; ESP Exome Variant Server 0.00515.
gnomAD v4.1: 1,267 of 1,612,582 alleles (0.079%); highest among the groups gnomAD compares: African/African-American, 1.4%; 8 homozygotes.

Submissions (5):

Labcorp Genetics (formerly Invitae), Labcorp
Classification: Benign for Congenital hyperammonemia, type I. Last evaluated: 2026-01-22. Review status: criteria provided, single submitter. Criteria: Invitae Variant Classification Sherloc (09022015). Collection method: clinical testing. Allele origin: germline.

Blueprint Genetics
Classification: Likely benign. Last evaluated: 2024-10-18. Review status: criteria provided, single submitter. Criteria: ACMG Guidelines, 2015. Collection method: clinical testing. Allele origin: germline.

CeGaT Center for Human Genetics Tuebingen
Classification: Benign. Last evaluated: 2023-05-01. Review status: criteria provided, single submitter. Criteria: CeGaT Center For Human Genetics Tuebingen Variant Classification Criteria Version 2. Collection method: clinical testing. Allele origin: germline. Affected: yes. Observed: 2 variant alleles.
Comment: CPS1: BS1, BS2

GeneDx
Classification: Likely benign. Last evaluated: 2018-03-27. Review status: criteria provided, single submitter. Criteria: GeneDx Variant Classification Process June 2021. Collection method: clinical testing. Allele origin: germline. Affected: yes.

Breakthrough Genomics
Classification: Likely benign. Review status: criteria provided, single submitter. Criteria: ACMG Guidelines, 2015. Collection method: not provided. Allele origin: germline. Inheritance: Autosomal recessive inheritance. Affected: yes.